The following is an entry in ClinVar:

ClinVar aggregate classification (germline): Uncertain significance (1 of 4 stars; one submission).

Conditions:
Inborn genetic diseases. Identifiers: MedGen C0950123, MeSH D030342.

Submission:

Ambry Genetics
Classification: Uncertain significance for Inborn genetic diseases. Last evaluated: 2024-09-21. Review status: criteria provided, single submitter. Criteria: Ambry Variant Classification Scheme 2023. Collection method: clinical testing. Allele origin: germline.
Comment: The p.L1435P variant (also known as c.4304T>C), located in coding exon 30 of the LRRK2 gene, results from a T to C substitution at nucleotide position 4304. The leucine at codon 1435 is replaced by proline, an amino acid with similar properties. This amino acid position is conserved. In addition, this alteration is predicted to be deleterious by in silico analysis. Based on the available evidence, the clinical significance of this variant remains unclear.

NM_198578.4(LRRK2):c.4304T>C (p.Leu1435Pro)

Gene: LRRK2 (leucine rich repeat kinase 2; plus strand). Cytogenetic location: 12q12.
Variant type: single nucleotide variant.
Coding change: c.4304T>C on transcript NM_198578.4 (MANE Select); coding-DNA position 4304, T replaced by C.
Protein change: p.Leu1435Pro; replaces leucine 1435 with proline.
Molecular consequence: missense variant.
Genome position (GRCh38, 1-based): chr12:40,309,220, T>C. VCF-style: chr12-40309220-T-C. GRCh37 (hg19) VCF-style: chr12-40703022-T-C.
Other names: short protein forms L1435P.
Identifiers: ClinVar variation 3540527 (VCV003540527.1).